The following is an entry in ClinVar:

ClinVar aggregate classification (germline): Uncertain significance. Review status: criteria provided, multiple submitters, no conflicts (2 of 4 stars). 2 submissions from 2 submitters: Uncertain significance (2). Last evaluated 2023-01-26.

Conditions:
Hereditary cancer-predisposing syndrome. Also called: Neoplastic Syndromes, Hereditary; Tumor predisposition; Hereditary Cancer Syndrome; Hereditary neoplastic syndrome. Identifiers: Orphanet 140162, MedGen C0027672, MeSH D009386, MONDO:0015356.

Allele frequency attached by ClinVar (database versions not stated): ExAC 0.00001.

Submissions (2):

Labcorp Genetics (formerly Invitae), Labcorp
Classification: Uncertain significance. Last evaluated: 2023-01-26. Review status: criteria provided, single submitter. Criteria: Invitae Variant Classification Sherloc (09022015). Collection method: clinical testing. Allele origin: germline.
Comment: In summary, the available evidence is currently insufficient to determine the role of this variant in disease. Therefore, it has been classified as a Variant of Uncertain Significance. An algorithm developed to predict the effect of missense changes on protein structure and function (PolyPhen-2) suggests that this variant is likely to be disruptive. ClinVar contains an entry for this variant (Variation ID: 1760913). This variant has not been reported in the literature in individuals affected with NTHL1-related conditions. This variant is present in population databases (rs749047684, gnomAD 0.006%). This sequence change replaces threonine, which is neutral and polar, with serine, which is neutral and polar, at codon 262 of the NTHL1 protein (p.Thr262Ser).

Ambry Genetics
Classification: Uncertain significance for Hereditary cancer-predisposing syndrome. Last evaluated: 2021-05-13. Review status: criteria provided, single submitter. Criteria: Ambry Variant Classification Scheme 2023. Collection method: clinical testing. Allele origin: germline.
Comment: The p.T262S variant (also known as c.785C>G), located in coding exon 5 of the NTHL1 gene, results from a C to G substitution at nucleotide position 785. The threonine at codon 262 is replaced by serine, an amino acid with similar properties. This amino acid position is highly conserved in available vertebrate species. In addition, the in silico prediction for this alteration is inconclusive. Since supporting evidence is limited at this time, the clinical significance of this alteration remains unclear.

NM_002528.7(NTHL1):c.761C>G (p.Thr254Ser)

Gene: NTHL1 (nth like DNA glycosylase 1; minus strand). Cytogenetic location: 16p13.3.
Variant type: single nucleotide variant.
Coding change: c.761C>G on transcript NM_002528.7 (MANE Select); coding-DNA position 761, C replaced by G.
Protein change: p.Thr254Ser; replaces threonine 254 with serine.
Molecular consequence: missense variant.
Genome position (GRCh38, 1-based): chr16:2,040,163, G>C on the plus strand (C>G on the coding strand, the complement: NTHL1 is on the minus strand). VCF-style: chr16-2040163-G-C. GRCh37 (hg19) VCF-style: chr16-2090164-G-C.
Other names: c.590C>G, p.Thr197Ser (NM_001318193.2); c.431C>G, p.Thr144Ser (NM_001318194.2); short protein forms T197S, T254S, T144S.
Identifiers: ClinVar variation 1760913 (VCV001760913.7), dbSNP rs749047684, ClinGen allele CA7828126.